The following is an entry in ClinVar:

ClinVar aggregate classification (germline): Pathogenic (0 of 4 stars; one submission).

Conditions:
Familial hypercholesterolemia. Also called: Familial hypercholesterolaemia. Identifiers: MedGen C0020445, MONDO:0005439.

Submission:

Research Laboratories, P. D. Hinduja Hospital & MRC
Classification: Pathogenic for Familial hypercholesterolemia. Last evaluated: 2022-12-16. Review status: no assertion criteria provided. Collection method: case-control. Allele origin: germline. Affected: yes. Observed: 1 variant allele, 1 heterozygote.
Comment: This variant was identified as part of the ICMR-funded project (Ref No. 2020-3881). A frameshift deletion in PLCB4 (NM_000933.4), exon 20: c.1881delC, resulting in a frameshift at aspartic acid 627 and a premature stop codon 4 residues downstream (p.D627Tfs*4). To our knowledge, functional studies specific to this variant have not been reported. This variant has not been described in individuals with Familial Hypercholesterolemia (FH) in the literature; however, the PLCB4 gene is associated with lipid metabolism according to the LIPID MAPS Proteome Database (LMPD). Computational predictions using MutationTaster and PolyPhen-2 suggest that this variant is likely deleterious and possibly damaging to protein function (GRCh38)."

NM_001377142.1(PLCB4):c.1918del (p.Arg640fs)

Gene: PLCB4 (phospholipase C beta 4; plus strand). Cytogenetic location: 20p12.2.
Variant type: Deletion.
Coding change: c.1918del on transcript NM_001377142.1 (MANE Select); coding-DNA position 1918, one base deleted (C; older notation c.1918delC).
Protein change: p.Arg640fs; shifts the reading frame from arginine 640.
Molecular consequence: frameshift variant.
Genome position (GRCh38, 1-based): chr20:9,409,100, C deleted; the last of 2 consecutive C bases (chr20:9,409,099-9,409,100); deleting either gives the same sequence. VCF-style (leftmost placement, unchanged base first): chr20-9409098-GC-G. GRCh37 (hg19) VCF-style: chr20-9389745-GC-G.
Other names: c.1882del, p.Arg628fs (NM_000933.4, NM_001377134.2, NM_001377135.1 and 2 more transcripts); c.1918del, p.Arg640fs (NM_001172646.2, NM_001377143.1); c.1881delC (NM_000933.4); short protein forms R628fs, R640fs.
Identifiers: ClinVar variation 4082118 (VCV004082118.1).
Genomic context (GRCh38, chr20:9,409,098, plus strand): 5'-TTTCCTTAATAAGTTACAGTTATAACAAACGGCAAATGAGTCGCATTTACCCCAAGGGAG[GC>G]CGAGTCGATTCCAGTAATTACATGCCTCAGATTTTCTGGAACGCTGGCTGCCAGATGGTT-3'